The following is an entry in ClinVar:

ClinVar aggregate classification (germline): Benign/Likely benign. Review status: criteria provided, multiple submitters, no conflicts (2 of 4 stars). 4 submissions from 4 submitters: Benign (1); Likely benign (3). Last evaluated 2026-05-08.

Conditions:
TRAPPC11-related disorder. Also called: TRAPPC11-related condition.
Autosomal recessive limb-girdle muscular dystrophy type R18 (LGMDR18). Also called: Limb-girdle muscular dystrophy, type 2S; MUSCULAR DYSTROPHY, LIMB-GIRDLE, AUTOSOMAL RECESSIVE 18; Autosomal recessive limb-girdle muscular dystrophy type 2S. Identifiers: Orphanet 369840, MedGen C4517996, MONDO:0014144, OMIM 615356.

Allele frequency attached by ClinVar (database versions not stated): ESP Exome Variant Server 0.00008; TOPMed 0.00015; ExAC 0.00018; gnomAD 0.00019.
gnomAD v4.1: 216 of 1,611,918 alleles (0.013%); highest among the groups gnomAD compares: Non-Finnish European, 0.0023%; 3 homozygotes.

Submissions (4):

PreventionGenetics, part of Exact Sciences
Classification: Likely benign for TRAPPC11-related condition. Last evaluated: 2026-05-08. Review status: criteria provided, single submitter. Criteria: ACMG Guidelines, 2015. Collection method: clinical testing. Allele origin: germline.
Comment: This variant is classified as likely benign based on ACMG/AMP sequence variant interpretation guidelines (Richards et al. 2015 PMID: 25741868, with internal and published modifications).

Labcorp Genetics (formerly Invitae), Labcorp
Classification: Likely benign for Autosomal recessive limb-girdle muscular dystrophy type R18. Last evaluated: 2026-02-04. Review status: criteria provided, single submitter. Criteria: Invitae Variant Classification Sherloc (09022015). Collection method: clinical testing. Allele origin: germline.

Athena Diagnostics
Classification: Benign. Last evaluated: 2024-06-27. Review status: criteria provided, single submitter. Criteria: Athena Diagnostics Criteria. Collection method: clinical testing. Allele origin: unknown.

GeneDx
Classification: Likely benign. Last evaluated: 2020-09-03. Review status: criteria provided, single submitter. Criteria: GeneDx Variant Classification Process June 2021. Collection method: clinical testing. Allele origin: germline. Affected: yes.

NM_021942.6(TRAPPC11):c.2196T>C (p.Asn732=)

Gene: TRAPPC11 (trafficking protein particle complex subunit 11; plus strand). Cytogenetic location: 4q35.1.
Variant type: single nucleotide variant.
Coding change: c.2196T>C on transcript NM_021942.6 (MANE Select); coding-DNA position 2196, T replaced by C.
Protein change: p.Asn732=; no amino-acid change (asparagine 732 retained).
Molecular consequence: synonymous variant.
Genome position (GRCh38, 1-based): chr4:183,693,106, T>C. VCF-style: chr4-183693106-T-C. GRCh37 (hg19) VCF-style: chr4-184614259-T-C.
Other names: c.2196T>C, p.Asn732= (NM_199053.3).
Identifiers: ClinVar variation 705872 (VCV000705872.16), dbSNP rs375844076, ClinGen allele CA3152128.